The following continues an entry in ClinVar:

NM_000492.4(CFTR):c.1647T>G (p.Ser549Arg)

ClinVar aggregate classification (germline): Pathogenic; drug response. Pathogenic (1).

Submissions 13 to 26 of 26:

CeGaT Center for Human Genetics Tuebingen
Classification: Pathogenic. Last evaluated: 2022-11-01. Review status: criteria provided, single submitter. Criteria: CeGaT Center For Human Genetics Tuebingen Variant Classification Criteria Version 2. Collection method: clinical testing. Allele origin: germline. Affected: yes. Observed: 1 variant allele. Not counted in ClinVar's aggregate classification.
Comment: CFTR: PM3:Very Strong, PM2, PP3

Institute of Human Genetics, University of Leipzig Medical Center
Classification: Pathogenic for Cystic fibrosis. Last evaluated: 2022-09-05. Review status: criteria provided, single submitter. Criteria: ACMG Guidelines, 2015. Collection method: curation. Allele origin: unknown. Affected: yes. Observed: 1 variant allele. Not counted in ClinVar's aggregate classification.
Comment: The variant was classified in the context of a project re-classifying variants in the German Cystic Fibrosis Registry (Muko.e.V.). Criteria applied: PS1, PS3_MOD, PM2, PM3_STR, PM5_STR, PP3, PP4

Fulgent Genetics
Classification: Pathogenic for Hereditary pancreatitis; Bronchiectasis with or without elevated sweat chloride 1; Cystic fibrosis; Congenital bilateral aplasia of vas deferens from CFTR mutation. Last evaluated: 2022-02-14. Review status: criteria provided, single submitter. Criteria: ACMG Guidelines, 2015. Collection method: clinical testing. Allele origin: unknown. Not counted in ClinVar's aggregate classification.

Myriad Genetics, Inc.
Classification: Pathogenic for Cystic fibrosis. Last evaluated: 2019-12-09. Review status: criteria provided, single submitter. Criteria: Myriad Women's Health Autosomal Recessive and X-Linked Classification Criteria (2019). Collection method: clinical testing. Allele origin: unknown. Not counted in ClinVar's aggregate classification.
Comment: NM_000492.3(CFTR):c.1647T>G(S549R) is classified as pathogenic in the context of cystic fibrosis and is associated with the classic form of disease. Sources cited for classification include the following: PMID 23974870, 10401194 and 18456578. Classification of NM_000492.3(CFTR):c.1647T>G(S549R) is based on the following criteria: This is a well-established pathogenic variant in the literature that has been observed more frequently in patients with clinical diagnoses than in healthy populations. Please note: this variant was assessed in the context of healthy population screening.

Mendelics
Classification: Pathogenic for Cystic fibrosis. Last evaluated: 2018-11-05. Review status: criteria provided, single submitter. Criteria: Mendelics Assertion Criteria 2017. Collection method: clinical testing. Allele origin: unknown. Affected: yes. Not counted in ClinVar's aggregate classification.

CFTR-France
Classification: Pathogenic for cystic fibrosis. Last evaluated: 2018-01-29. Review status: criteria provided, single submitter. Criteria: Claustres M et al. (Hum Mutat 2017). Collection method: curation. Allele origin: germline. Affected: yes. Not counted in ClinVar's aggregate classification.

Department of Genetics, Sultan Qaboos University Hospital
Classification: Pathogenic for Cystic fibrosis. Last evaluated: 2017-12-30. Review status: criteria provided, single submitter. Criteria: ACMG Guidelines, 2015. Collection method: curation. Allele origin: unknown. Affected: yes. Not counted in ClinVar's aggregate classification.

Quest Diagnostics Nichols Institute San Juan Capistrano
Classification: Pathogenic. Last evaluated: 2017-06-08. Review status: criteria provided, single submitter. Criteria: Quest Diagnostics criteria. Collection method: clinical testing. Allele origin: germline. Not counted in ClinVar's aggregate classification.

Women's Health and Genetics/Laboratory Corporation of America, LabCorp
Classification: Pathogenic for Cystic fibrosis. Last evaluated: 2016-12-08. Review status: criteria provided, single submitter. Criteria: LabCorp Variant Classification Summary - May 2015. Collection method: clinical testing. Allele origin: germline. Not counted in ClinVar's aggregate classification.
Comment: Variant summary: The CFTR c.1647T>G (p.Ser549Arg) variant involves the alteration of a non-conserved nucleotide. 5/5 in silico tools predict a damaging outcome for this variant. This variant is absent in 120694 control chromosomes and was reported in numerous affected individuals in the literature. Functional studies show the variant to result in defective channel gating as the predominant defect, resulting in less than 1% chloride conductance compared to WT (Yu_2012, Sosnay_2013). In addition, multiple clinical diagnostic laboratories/reputable databases classified this variant as pathogenic, including CFTR2. Ivacaftor addition caused a >10-fold increase in CFTR-mediated chloride transport in FRT cells expressing S549R-CFTR (Yu_2012) and this drug has been approved by the U.S. Food and Drug Administration to treat patients with CF who are 2 years and older with at least one copy of this mutation (CFTR2 database). Taken together, this variant is classified as pathogenic.

Baylor Genetics
Classification: Pathogenic for Congenital bilateral aplasia of vas deferens from CFTR mutation; Cystic fibrosis. Review status: criteria provided, single submitter. Criteria: ACMG Guidelines, 2015. Collection method: clinical testing. Allele origin: germline. Not counted in ClinVar's aggregate classification.

Clinical Genetics Service, Universitary Hospital 12 de Octubre
Classification: Pathogenic for Cystic fibrosis. Review status: criteria provided, single submitter. Criteria: ACMG Guidelines, 2015. Collection method: clinical testing. Allele origin: germline. Affected: yes. Not counted in ClinVar's aggregate classification.

PreventionGenetics, part of Exact Sciences
Classification: Pathogenic for CFTR-related condition. Last evaluated: 2023-12-19. Review status: no assertion criteria provided. Collection method: clinical testing. Allele origin: germline. Not counted in ClinVar's aggregate classification.
Comment: The CFTR c.1647T>G variant is predicted to result in the amino acid substitution p.Ser549Arg. This variant has been documented as causative for cystic fibrosis (Kerem et al. 1990. PubMed ID: 2236053; Table S2 - Sosnay et al. 2013. PubMed ID: 23974870). This variant is reported in 0.0058% of alleles in individuals of Latino descent in gnomAD. In summary, this variant is interpreted as pathogenic.

Diagnostic Laboratory, Department of Genetics, University Medical Center Groningen
Classification: Pathogenic. Review status: no assertion criteria provided. Collection method: clinical testing. Allele origin: germline. Affected: yes. Study: VKGL Data-share Consensus. Not counted in ClinVar's aggregate classification.

Joint Genome Diagnostic Labs from Nijmegen and Maastricht, Radboudumc and MUMC+
Classification: Pathogenic. Review status: no assertion criteria provided. Collection method: clinical testing. Allele origin: germline. Affected: yes. Study: VKGL Data-share Consensus. Not counted in ClinVar's aggregate classification.

Literature cited by the submitters: PubMed 22293084 (cited by ClinPGx and Women's Health and Genetics/Laboratory Corporation of America, LabCorp); PubMed 25266159 (cited by ClinPGx); PubMed 26474553 (cited by ClinPGx); PubMed 10923036 (cited by Labcorp Genetics (formerly Invitae), Labcorp and Dasa); PubMed 11005149 (cited by 4 submitters); PubMed 16840743 (cited by Labcorp Genetics (formerly Invitae), Labcorp and Dasa); PubMed 23082198 (cited by Labcorp Genetics (formerly Invitae), Labcorp and Dasa); PubMed 1712898 (cited by 3 submitters); PubMed 10764788 (cited by Labcorp Genetics (formerly Invitae), Labcorp and Dasa); PubMed 12080183 (cited by Labcorp Genetics (formerly Invitae), Labcorp and Dasa); PubMed 23974870 (cited by 5 submitters); PubMed 30996306 (cited by Natera, Inc.); PubMed 10836331 (cited by Ambry Genetics); PubMed 2236053 (cited by Ambry Genetics and Quest Diagnostics Nichols Institute San Juan Capistrano); PubMed 10401194 (cited by Myriad Genetics, Inc.); PubMed 18456578 (cited by Myriad Genetics, Inc. and Quest Diagnostics Nichols Institute San Juan Capistrano); PubMed 24440181 (cited by Quest Diagnostics Nichols Institute San Juan Capistrano); PubMed 22975760 (cited by Quest Diagnostics Nichols Institute San Juan Capistrano); PubMed 25489051 (cited by Quest Diagnostics Nichols Institute San Juan Capistrano); PubMed 11523757 (cited by Quest Diagnostics Nichols Institute San Juan Capistrano).